The following is an entry in ClinVar:

NM_001378454.1(ALMS1):c.3617T>C (p.Leu1206Ser)

Gene: ALMS1 (ALMS1 centrosome and basal body associated protein; plus strand). Cytogenetic location: 2p13.1.
Variant type: single nucleotide variant.
Coding change: c.3617T>C on transcript NM_001378454.1 (MANE Select); coding-DNA position 3617, T replaced by C.
Protein change: p.Leu1206Ser; replaces leucine 1206 with serine.
Molecular consequence: missense variant.
Genome position (GRCh38, 1-based): chr2:73,450,144, T>C. VCF-style: chr2-73450144-T-C. GRCh37 (hg19) VCF-style: chr2-73677271-T-C.
Other names: c.3620T>C, p.Leu1207Ser (NM_015120.4); short protein forms L1206S, L1207S.
Identifiers: ClinVar variation 1978829 (VCV001978829.1), dbSNP rs557083730, ClinGen allele CA1713558.

ClinVar aggregate classification (germline): Uncertain significance (1 of 4 stars; one submission).

Conditions:
Alstrom syndrome (ALMS). Identifiers: Orphanet 64, MedGen C0268425, MONDO:0008763, OMIM 203800.

Allele frequency attached by ClinVar (database versions not stated): ExAC 0.00001; gnomAD 0.00001; 1000 Genomes Project 0.00020; 1000 Genomes Project 30x 0.00031.
gnomAD v4.1: 1 of 1,614,040 alleles (0.000062%); highest among the groups gnomAD compares: African/African-American, 0.0013%; no homozygotes.

Submission:

Labcorp Genetics (formerly Invitae), Labcorp
Classification: Uncertain significance for Alstrom syndrome. Last evaluated: 2022-04-30. Review status: criteria provided, single submitter. Criteria: Invitae Variant Classification Sherloc (09022015). Collection method: clinical testing. Allele origin: germline.
Comment: This sequence change replaces leucine, which is neutral and non-polar, with serine, which is neutral and polar, at codon 1207 of the ALMS1 protein (p.Leu1207Ser). This variant is present in population databases (rs557083730, gnomAD 0.007%). This variant has not been reported in the literature in individuals affected with ALMS1-related conditions. Experimental studies and prediction algorithms are not available or were not evaluated, and the functional significance of this variant is currently unknown. In summary, the available evidence is currently insufficient to determine the role of this variant in disease. Therefore, it has been classified as a Variant of Uncertain Significance.